The following is an entry in ClinVar:

NM_003238.6(TGFB2):c.848T>C (p.Leu283Pro)

Gene: TGFB2 (transforming growth factor beta 2; plus strand). Cytogenetic location: 1q41.
Variant type: single nucleotide variant.
Coding change: c.848T>C on transcript NM_003238.6 (MANE Select); coding-DNA position 848, T replaced by C.
Protein change: p.Leu283Pro; replaces leucine 283 with proline.
Molecular consequence: missense variant.
Genome position (GRCh38, 1-based): chr1:218,436,063, T>C. VCF-style: chr1-218436063-T-C. GRCh37 (hg19) VCF-style: chr1-218609405-T-C.
Other names: c.932T>C, p.Leu311Pro (NM_001135599.4); short protein forms L311P, L283P.
Identifiers: ClinVar variation 1383225 (VCV001383225.6), dbSNP rs2102628571, ClinGen allele CA344727191.

ClinVar aggregate classification (germline): Uncertain significance (1 of 4 stars; one submission).

Conditions:
Loeys-Dietz syndrome 4 (LDS4). Also called: ANEURYSM, AORTIC AND CEREBRAL, WITH ARTERIAL TORTUOSITY AND SKELETAL MANIFESTATIONS; TGFB2-Related Loeys-Dietz Syndrome. Identifiers: MedGen C3553762, MONDO:0013897, OMIM 614816.

Submission:

Labcorp Genetics (formerly Invitae), Labcorp
Classification: Uncertain significance for Loeys-Dietz syndrome 4. Last evaluated: 2021-09-25. Review status: criteria provided, single submitter. Criteria: Invitae Variant Classification Sherloc (09022015). Collection method: clinical testing. Allele origin: germline.
Comment: This variant is not present in population databases (ExAC no frequency). In summary, the available evidence is currently insufficient to determine the role of this variant in disease. Therefore, it has been classified as a Variant of Uncertain Significance. Advanced modeling of protein sequence and biophysical properties (such as structural, functional, and spatial information, amino acid conservation, physicochemical variation, residue mobility, and thermodynamic stability) performed at Invitae indicates that this missense variant is expected to disrupt TGFB2 protein function. This variant has not been reported in the literature in individuals affected with TGFB2-related conditions. This sequence change replaces leucine with proline at codon 283 of the TGFB2 protein (p.Leu283Pro). The leucine residue is highly conserved and there is a moderate physicochemical difference between leucine and proline.